The following is an entry in ClinVar:

NM_032578.4(MYPN):c.1296T>G (p.Ile432Met)

Gene: MYPN (myopalladin; plus strand). Cytogenetic location: 10q21.3.
Variant type: single nucleotide variant.
Coding change: c.1296T>G on transcript NM_032578.4 (MANE Select); coding-DNA position 1296, T replaced by G.
Protein change: p.Ile432Met; replaces isoleucine 432 with methionine.
Molecular consequence: missense variant. On other transcripts: non-coding transcript variant (2).
Genome position (GRCh38, 1-based): chr10:68,150,090, T>G. VCF-style: chr10-68150090-T-G. GRCh37 (hg19) VCF-style: chr10-69909847-T-G.
Other names: c.1296T>G, p.Ile432Met (NM_001256267.2); c.414T>G, p.Ile138Met (NM_001256268.2); short protein forms I138M, I432M.
Identifiers: ClinVar variation 3228152 (VCV003228152.1), dbSNP rs2495619769, ClinGen allele CA376833510.

ClinVar aggregate classification (germline): Uncertain significance (1 of 4 stars; one submission).

Conditions:
Cardiovascular phenotype. Identifiers: MedGen CN230736.

Allele frequency attached by ClinVar (database versions not stated): gnomAD exomes below 0.00001.
gnomAD v4.1: 2 of 1,613,834 alleles (0.00012%); highest among the groups gnomAD compares: Non-Finnish European, 0.00017%; no homozygotes.

Submission:

Ambry Genetics
Classification: Uncertain significance for Cardiovascular phenotype. Last evaluated: 2023-11-21. Review status: criteria provided, single submitter. Criteria: Ambry Variant Classification Scheme 2023. Collection method: clinical testing. Allele origin: germline.
Comment: The p.I432M variant (also known as c.1296T>G), located in coding exon 5 of the MYPN gene, results from a T to G substitution at nucleotide position 1296. The isoleucine at codon 432 is replaced by methionine, an amino acid with highly similar properties. This amino acid position is conserved. In addition, this alteration is predicted to be tolerated by in silico analysis. Since supporting evidence is limited at this time, the clinical significance of this alteration remains unclear.